The following is an entry in ClinVar:

NM_032578.4(MYPN):c.3017T>C (p.Ile1006Thr)

Gene: MYPN (myopalladin; plus strand). Cytogenetic location: 10q21.3.
Variant type: single nucleotide variant.
Coding change: c.3017T>C on transcript NM_032578.4 (MANE Select); coding-DNA position 3017, T replaced by C.
Protein change: p.Ile1006Thr; replaces isoleucine 1006 with threonine.
Molecular consequence: missense variant. On other transcripts: non-coding transcript variant (2).
Genome position (GRCh38, 1-based): chr10:68,194,454, T>C. VCF-style: chr10-68194454-T-C. GRCh37 (hg19) VCF-style: chr10-69954211-T-C.
Other names: c.3017T>C, p.Ile1006Thr (NM_001256267.2); c.2135T>C, p.Ile712Thr (NM_001256268.2); c.3017T>C (NM_032578.2); short protein forms I1006T, I712T.
Identifiers: ClinVar variation 426321 (VCV000426321.8), dbSNP rs864622711, ClinGen allele CA376856066.

ClinVar aggregate classification (germline): Uncertain significance. Review status: criteria provided, multiple submitters, no conflicts (2 of 4 stars). 3 submissions from 3 submitters: Uncertain significance (3). Last evaluated 2025-10-10.

Conditions:
Cardiovascular phenotype. Identifiers: MedGen CN230736.
Dilated cardiomyopathy 1KK (CMD1KK). Identifiers: Orphanet 154, Orphanet 75249, MedGen C3714995, MONDO:0014100, OMIM 615248.

gnomAD v4.1: 1 of 1,613,936 alleles (0.000062%); highest among the groups gnomAD compares: Non-Finnish European, 0.000085%; no homozygotes.

Submissions (3):

Ambry Genetics
Classification: Uncertain significance for Cardiovascular phenotype. Last evaluated: 2025-10-10. Review status: criteria provided, single submitter. Criteria: Ambry Variant Classification Scheme 2023. Collection method: clinical testing. Allele origin: germline.
Comment: The p.I1006T variant (also known as c.3017T>C), located in coding exon 13 of the MYPN gene, results from a T to C substitution at nucleotide position 3017. The isoleucine at codon 1006 is replaced by threonine, an amino acid with similar properties. This amino acid position is highly conserved in available vertebrate species. In addition, this alteration is predicted to be deleterious by in silico analysis. Based on the available evidence, the clinical significance of this variant remains unclear.

Labcorp Genetics (formerly Invitae), Labcorp
Classification: Uncertain significance for Dilated cardiomyopathy 1KK. Last evaluated: 2021-08-30. Review status: criteria provided, single submitter. Criteria: Invitae Variant Classification Sherloc (09022015). Collection method: clinical testing. Allele origin: germline.
Comment: This sequence change replaces isoleucine with threonine at codon 1006 of the MYPN protein (p.Ile1006Thr). The isoleucine residue is highly conserved and there is a moderate physicochemical difference between isoleucine and threonine. This variant is not present in population databases (ExAC no frequency). This variant has not been reported in the literature in individuals affected with MYPN-related conditions. ClinVar contains an entry for this variant (Variation ID: 426321). Algorithms developed to predict the effect of missense changes on protein structure and function are either unavailable or do not agree on the potential impact of this missense change (SIFT: "Deleterious"; PolyPhen-2: "Probably Damaging"; Align-GVGD: "Class C0"). In summary, the available evidence is currently insufficient to determine the role of this variant in disease. Therefore, it has been classified as a Variant of Uncertain Significance.

GeneDx
Classification: Uncertain significance. Last evaluated: 2017-04-20. Review status: criteria provided, single submitter. Criteria: GeneDx Variant Classification (06012015). Collection method: clinical testing. Allele origin: germline. Affected: yes.
Comment: The I1006T variant of uncertain significance in the MYPN gene has not been published as pathogenic or been reported as benign to our knowledge. This variant is not observed in large population cohorts (Lek et al., 2016; 1000 Genomes Consortium et al., 2015; Exome Variant Server). The I1006T variant is a non-conservative amino acid substitution, which is likely to impact secondary protein structure as these residues differ in polarity, charge, size and/or other properties. This substitution occurs at a position that is conserved across species, and 2/3 in silico algorithms predict this variant is probably damaging to the protein structure/function. However, to our knowledge no studies have been performed to determine the functional effect of the I1006T variant.